The following is an entry in ClinVar:

NM_152703.5(SAMD9L):c.2308A>G (p.Lys770Glu)

Gene: SAMD9L (sterile alpha motif domain containing 9 like; minus strand). Cytogenetic location: 7q21.2.
Variant type: single nucleotide variant.
Coding change: c.2308A>G on transcript NM_152703.5 (MANE Select); coding-DNA position 2308, A replaced by G.
Protein change: p.Lys770Glu; replaces lysine 770 with glutamic acid.
Molecular consequence: missense variant.
Genome position (GRCh38, 1-based): chr7:93,133,664, T>C on the plus strand (A>G on the coding strand, the complement: SAMD9L is on the minus strand). VCF-style: chr7-93133664-T-C. GRCh37 (hg19) VCF-style: chr7-92762977-T-C.
Other names: c.2308A>G, p.Lys770Glu (NM_001303496.3, NM_001303497.3, NM_001303498.3 and 5 more transcripts); short protein forms K770E.
Identifiers: ClinVar variation 3897221 (VCV003897221.1).

ClinVar aggregate classification (germline): Likely pathogenic (1 of 4 stars; one submission).

Submission:

GeneDx
Classification: Likely pathogenic. Last evaluated: 2024-10-31. Review status: criteria provided, single submitter. Criteria: GeneDx Variant Classification Process June 2021. Collection method: clinical testing. Allele origin: germline. Affected: yes.
Comment: Not observed at significant frequency in large population cohorts (gnomAD); In silico analysis indicates that this missense variant does not alter protein structure/function; This variant is associated with the following publications: (PMID: 34621053, 28545555)